The following is an entry in ClinVar:

ClinVar aggregate classification (germline): Uncertain significance. Review status: criteria provided, multiple submitters, no conflicts (2 of 4 stars). 2 submissions from 2 submitters: Uncertain significance (2). Last evaluated 2025-07-20.

Conditions:
Hereditary cancer-predisposing syndrome. Also called: Hereditary neoplastic syndrome; Neoplastic Syndromes, Hereditary; Tumor predisposition; Hereditary Cancer Syndrome. Identifiers: Orphanet 140162, MedGen C0027672, MeSH D009386, MONDO:0015356.
Rhabdoid tumor predisposition syndrome 2 (RTPS2). Identifiers: Orphanet 231108, Orphanet 69077, MedGen C2750074, MONDO:0013224, OMIM 613325.

Submissions (2):

Ambry Genetics
Classification: Uncertain significance for Hereditary cancer-predisposing syndrome. Last evaluated: 2025-07-20. Review status: criteria provided, single submitter. Criteria: Ambry Variant Classification Scheme 2023. Collection method: clinical testing. Allele origin: germline.
Comment: The c.1419G>A variant (also known as p.Q473Q) is located in coding exon 7 of the SMARCA4 gene. This variant results from a G to A substitution at nucleotide position 1419. This nucleotide substitution does not change the glutamine at codon 473. However, this change occurs in the last base pair of coding exon 7, which makes it likely to have some effect on normal mRNA splicing. This nucleotide position is highly conserved in available vertebrate species. In silico splice site analysis predicts that this alteration will not have any significant effect on splicing. Based on the available evidence, the clinical significance of this variant remains unclear.

Labcorp Genetics (formerly Invitae), Labcorp
Classification: Uncertain significance for Rhabdoid tumor predisposition syndrome 2. Last evaluated: 2024-06-12. Review status: criteria provided, single submitter. Criteria: Invitae Variant Classification Sherloc (09022015). Collection method: clinical testing. Allele origin: germline.
Comment: This sequence change affects codon 473 of the SMARCA4 mRNA. It is a 'silent' change, meaning that it does not change the encoded amino acid sequence of the SMARCA4 protein. This variant also falls at the last nucleotide of exon 8, which is part of the consensus splice site for this exon. This variant is not present in population databases (gnomAD no frequency). This variant has not been reported in the literature in individuals affected with SMARCA4-related conditions. ClinVar contains an entry for this variant (Variation ID: 834815). Variants that disrupt the consensus splice site are a relatively common cause of aberrant splicing (PMID: 17576681, 9536098). Algorithms developed to predict the effect of sequence changes on RNA splicing suggest that this variant is not likely to affect RNA splicing. In summary, the available evidence is currently insufficient to determine the role of this variant in disease. Therefore, it has been classified as a Variant of Uncertain Significance.

Literature cited by the submitters: PubMed 17576681 (cited by Labcorp Genetics (formerly Invitae), Labcorp); PubMed 9536098 (cited by Labcorp Genetics (formerly Invitae), Labcorp).

NM_003072.5(SMARCA4):c.1419G>A (p.Gln473=)

Gene: SMARCA4 (SWI/SNF related BAF chromatin remodeling complex subunit ATPase 4; plus strand). Cytogenetic location: 19p13.2.
Variant type: single nucleotide variant.
Coding change: c.1419G>A on transcript NM_003072.5 (MANE Select); coding-DNA position 1419, G replaced by A.
Protein change: p.Gln473=; no amino-acid change (glutamine 473 retained).
Molecular consequence: synonymous variant. On other transcripts: non-coding transcript variant (1).
Genome position (GRCh38, 1-based): chr19:10,991,323, G>A. VCF-style: chr19-10991323-G-A. GRCh37 (hg19) VCF-style: chr19-11101999-G-A.
Other names: c.1419G>A, p.Gln473= (NM_001128844.3, NM_001128845.2, NM_001128846.2 and 4 more transcripts).
Identifiers: ClinVar variation 834815 (VCV000834815.11), dbSNP rs2086540879, ClinGen allele CA505490193.